The following is an entry in ClinVar:

ClinVar aggregate classification (germline): Uncertain significance (1 of 4 stars; one submission).

Submission:

Women's Health and Genetics/Laboratory Corporation of America, LabCorp
Classification: Uncertain significance. Last evaluated: 2026-06-04. Review status: criteria provided, single submitter. Criteria: LabCorp Variant Classification Summary - May 2015. Collection method: clinical testing. Allele origin: germline.
Comment: Variant summary: OBSL1 c.1748_1749delinsTT (p.Pro583Leu) results in a non-conservative amino acid change in the encoded protein sequence. Algorithms developed to predict the effect of missense changes on protein structure and function are either unavailable or do not agree on the potential impact of this missense change. The variant was absent in 246644 control chromosomes. The available data on variant occurrences in the general population are insufficient to allow any conclusion about variant significance. To our knowledge, no occurrence of c.1748_1749delinsTT in individuals affected with OBSL1-related conditions and no experimental evidence demonstrating its impact on protein function have been reported. No submitters have cited clinical-significance assessments for this variant to ClinVar. Based on the evidence outlined above, the variant was classified as uncertain significance.

NM_015311.3(OBSL1):c.1748_1749delinsTT (p.Pro583Leu)

Gene: OBSL1 (obscurin like cytoskeletal adaptor 1; minus strand). Cytogenetic location: 2q35.
Variant type: Indel.
Coding change: c.1748_1749delinsTT on transcript NM_015311.3 (MANE Select); coding-DNA positions 1748 to 1749, CC replaced by TT.
Protein change: p.Pro583Leu; replaces proline 583 with leucine.
Molecular consequence: missense variant.
Genome position (GRCh38, 1-based): chr2:219,567,361-219,567,362, GG replaced by AA on the plus strand (CC replaced by TT on the coding strand, the reverse complement: OBSL1 is on the minus strand). VCF-style: chr2-219567361-GG-AA. GRCh37 (hg19) VCF-style: chr2-220432083-GG-AA.
Other names: c.1748_1749delinsTT, p.Pro583Leu (NM_001173408.2, NM_001173431.2); short protein forms P583L.
Identifiers: ClinVar variation 4887526 (VCV004887526.1).